The following is an entry in ClinVar:

NM_004360.5(CDH1):c.781G>C (p.Glu261Gln)

Gene: CDH1 (cadherin 1; plus strand). Cytogenetic location: 16q22.1.
Variant type: single nucleotide variant.
Coding change: c.781G>C on transcript NM_004360.5 (MANE Select); coding-DNA position 781, G replaced by C.
Protein change: p.Glu261Gln; replaces glutamic acid 261 with glutamine.
Molecular consequence: missense variant. On other transcripts: 5 prime UTR variant (2).
Genome position (GRCh38, 1-based): chr16:68,810,290, G>C. VCF-style: chr16-68810290-G-C. GRCh37 (hg19) VCF-style: chr16-68844193-G-C.
Other names: c.781G>C, p.Glu261Gln (NM_001317184.2); c.-835G>C (NM_001317185.2); c.-1039G>C (NM_001317186.2); short protein forms E261Q.
Identifiers: ClinVar variation 4752488 (VCV004752488.1).

ClinVar aggregate classification (germline): Uncertain significance (1 of 4 stars; one submission).

Conditions:
Hereditary diffuse gastric adenocarcinoma (HDGC). Also called: DIFFUSE GASTRIC AND LOBULAR BREAST CANCER SYNDROME. Identifiers: Orphanet 26106, MedGen C1708349, MONDO:0007648, OMIM 137215.

Submission:

Labcorp Genetics (formerly Invitae), Labcorp
Classification: Uncertain significance for Hereditary diffuse gastric adenocarcinoma. Last evaluated: 2025-03-12. Review status: criteria provided, single submitter. Criteria: Invitae Variant Classification Sherloc (09022015). Collection method: clinical testing. Allele origin: germline.
Comment: This sequence change replaces glutamic acid, which is acidic and polar, with glutamine, which is neutral and polar, at codon 261 of the CDH1 protein (p.Glu261Gln). This variant is not present in population databases (gnomAD no frequency). This variant has not been reported in the literature in individuals affected with CDH1-related conditions. An algorithm developed to predict the effect of missense changes on protein structure and function outputs the following: PolyPhen-2: "Benign". The glutamine amino acid residue is found in multiple mammalian species, which suggests that this missense change does not adversely affect protein function. In summary, the available evidence is currently insufficient to determine the role of this variant in disease. Therefore, it has been classified as a Variant of Uncertain Significance.